The following is an entry in ClinVar:

NM_025114.4(CEP290):c.-33G>T

Gene: CEP290 (centrosomal protein 290; minus strand). Cytogenetic location: 12q21.32.
Variant type: single nucleotide variant.
Coding change: c.-33G>T on transcript NM_025114.4 (MANE Select); 33 bases upstream of the start codon, G replaced by T.
Molecular consequence: 5 prime UTR variant.
Genome position (GRCh38, 1-based): chr12:88,141,905, C>A on the plus strand (G>T on the coding strand, the complement: CEP290 is on the minus strand). VCF-style: chr12-88141905-C-A. GRCh37 (hg19) VCF-style: chr12-88535682-C-A.
Identifiers: ClinVar variation 310634 (VCV000310634.7), dbSNP rs139415563, ClinGen allele CA10642542.

ClinVar aggregate classification (germline): Conflicting classifications of pathogenicity. Review status: criteria provided, conflicting classifications (1 of 4 stars). 6 submissions from 2 submitters: Uncertain significance (2); Benign (1); Likely benign (3). Last evaluated 2018-01-13.

Conditions:
Senior-Loken syndrome 6 (SLSN6). Identifiers: Orphanet 3156, MedGen C1857779, MONDO:0012433, OMIM 610189.
Joubert syndrome 5 (JBTS5). Identifiers: Orphanet 2318, MedGen C1857780, MONDO:0012432, OMIM 610188.
Meckel syndrome, type 4 (MKS4). Also called: MECKEL-GRUBER SYNDROME, TYPE 4. Identifiers: Orphanet 564, MedGen C1970161, MONDO:0012626, OMIM 611134.
Bardet-Biedl syndrome 14 (BBS14). Identifiers: Orphanet 110, MedGen C2673874, MONDO:0014442, OMIM 615991.
Leber congenital amaurosis 10 (LCA10). Identifiers: Orphanet 65, MedGen C1857821, MONDO:0012723, OMIM 611755.

Allele frequency attached by ClinVar (database versions not stated): 1000 Genomes Project 30x 0.00297; 1000 Genomes Project 0.00300; TOPMed 0.00788; gnomAD 0.00882 and 0.00894; gnomAD exomes 0.02514.
gnomAD v4.1: 1,332 of 152,628 alleles (0.87%); highest among the groups gnomAD compares: Non-Finnish European, 1.6%; 9 homozygotes.

Submissions (6):

Illumina Laboratory Services, Illumina
Classification: Likely benign for Joubert syndrome 5. Last evaluated: 2018-01-13. Review status: criteria provided, single submitter. Criteria: ICSL Variant Classification Criteria 13 December 2019. Collection method: clinical testing. Allele origin: germline.
Comment: This variant was observed in the ICSL laboratory as part of a predisposition screen in an ostensibly healthy population. It had not been previously curated by ICSL or reported in the Human Gene Mutation Database (HGMD: prior to June 1st, 2018), and was therefore a candidate for classification through an automated scoring system. Utilizing variant allele frequency, disease prevalence and penetrance estimates, and inheritance mode, an automated score was calculated to assess if this variant is too frequent to cause the disease. Based on the score and internal cut-off values, a variant classified as likely benign is not then subjected to further curation. The score for this variant resulted in a classification of likely benign for this disease.

Illumina Laboratory Services, Illumina
Classification: Likely benign for Senior-Loken syndrome 6. Last evaluated: 2018-01-13. Review status: criteria provided, single submitter. Criteria: ICSL Variant Classification Criteria 13 December 2019. Collection method: clinical testing. Allele origin: germline.
Comment: the same text as in the submission from Illumina Laboratory Services, Illumina above.

Illumina Laboratory Services, Illumina
Classification: Likely benign for Bardet-Biedl syndrome 14. Last evaluated: 2018-01-13. Review status: criteria provided, single submitter. Criteria: ICSL Variant Classification Criteria 13 December 2019. Collection method: clinical testing. Allele origin: germline.
Comment: the same text as in the submission from Illumina Laboratory Services, Illumina above.

Illumina Laboratory Services, Illumina
Classification: Uncertain significance for Meckel syndrome, type 4. Last evaluated: 2018-01-13. Review status: criteria provided, single submitter. Criteria: ICSL Variant Classification Criteria 13 December 2019. Collection method: clinical testing. Allele origin: germline.

Illumina Laboratory Services, Illumina
Classification: Uncertain significance for Leber congenital amaurosis 10. Last evaluated: 2018-01-13. Review status: criteria provided, single submitter. Criteria: ICSL Variant Classification Criteria 13 December 2019. Collection method: clinical testing. Allele origin: germline.

GeneDx
Classification: Benign. Last evaluated: 2015-03-03. Review status: criteria provided, single submitter. Criteria: GeneDx Variant Classification Process June 2021. Collection method: clinical testing. Allele origin: germline. Affected: yes.